The following is an entry in ClinVar:

NM_001903.5(CTNNA1):c.894G>A (p.Glu298=)

Gene: CTNNA1 (catenin alpha 1; plus strand). Cytogenetic location: 5q31.2.
Variant type: single nucleotide variant.
Coding change: c.894G>A on transcript NM_001903.5 (MANE Select); coding-DNA position 894, G replaced by A.
Protein change: p.Glu298=; no amino-acid change (glutamic acid 298 retained).
Molecular consequence: synonymous variant.
Genome position (GRCh38, 1-based): chr5:138,827,550, G>A. VCF-style: chr5-138827550-G-A. GRCh37 (hg19) VCF-style: chr5-138163239-G-A.
Other names: c.894G>A, p.Glu298= (NM_001290307.3, NM_001323982.2, NM_001323983.1 and 3 more transcripts); c.894G>A (NM_001903.2); c.585G>A, p.Glu195= (NM_001290309.3); c.525G>A, p.Glu175= (NM_001290310.3).
Identifiers: ClinVar variation 1627271 (VCV001627271.10), dbSNP rs2149785532, ClinGen allele CA446595364.
Genomic context (GRCh38, chr5:138,827,550, plus strand): 5'-ACATTCGGTAATACTTTCTCTGCAGAAACAAATCATTGTGGACCCCTTGAGCTTCAGCGA[G>A]GAGCGCTTTAGGCCTTCCCTGGAGGAGCGTCTGGAAAGCATCATTAGTGGGGCTGCCTTG-3'
Protein context (NP_001894.2, residues 288-308): QIIVDPLSFS[Glu298=]ERFRPSLEER

ClinVar aggregate classification (germline): Benign/Likely benign. Review status: criteria provided, multiple submitters, no conflicts (2 of 4 stars). 3 submissions from 3 submitters: Benign (1); Likely benign (2). Last evaluated 2024-10-25.

Conditions:
Hereditary cancer-predisposing syndrome. Also called: Hereditary Cancer Syndrome; Tumor predisposition; Neoplastic Syndromes, Hereditary; Hereditary neoplastic syndrome. Identifiers: Orphanet 140162, MedGen C0027672, MeSH D009386, MONDO:0015356.
Hereditary diffuse gastric adenocarcinoma (HDGC). Also called: DIFFUSE GASTRIC AND LOBULAR BREAST CANCER SYNDROME. Identifiers: Orphanet 26106, MedGen C1708349, MONDO:0007648, OMIM 137215.

Submissions (3):

Ambry Genetics
Classification: Likely benign for Hereditary cancer-predisposing syndrome. Last evaluated: 2024-10-25. Review status: criteria provided, single submitter. Criteria: Ambry Variant Classification Scheme 2023. Collection method: clinical testing. Allele origin: germline.

Myriad Genetics, Inc.
Classification: Benign for Hereditary diffuse gastric adenocarcinoma. Last evaluated: 2024-10-10. Review status: criteria provided, single submitter. Criteria: Myriad Autosomal Dominant, Autosomal Recessive and X-Linked Classification Criteria (2023). Collection method: clinical testing. Allele origin: unknown.
Comment: This variant is considered benign. This variant is a silent/synonymous amino acid change and it is not expected to impact splicing.

Labcorp Genetics (formerly Invitae), Labcorp
Classification: Likely benign. Last evaluated: 2021-03-17. Review status: criteria provided, single submitter. Criteria: Invitae Variant Classification Sherloc (09022015). Collection method: clinical testing. Allele origin: germline.